The following is an entry in ClinVar:

NM_001002294.3(FMO3):c.174_175insA (p.Phe59fs)

Gene: FMO3 (flavin containing dimethylaniline monoxygenase 3; plus strand). Cytogenetic location: 1q24.3.
Variant type: Insertion.
Coding change: c.174_175insA on transcript NM_001002294.3 (MANE Select); coding-DNA positions 174 to 175, A inserted.
Protein change: p.Phe59fs; shifts the reading frame from phenylalanine 59.
Molecular consequence: frameshift variant. On other transcripts: intron variant (1).
Genome position: GRCh38 VCF-style: chr1-171103826-C-CA. GRCh37 (hg19) VCF-style: chr1-171072967-C-CA.
Other names: c.114_115insA, p.Phe39fs (NM_001319173.2); c.174_175insA, p.Phe59fs (NM_006894.6); c.133-3849_133-3848insA (NM_001319174.2); short protein forms F59fs, F39fs.
Identifiers: ClinVar variation 2840209 (VCV002840209.3), dbSNP rs2526312925, ClinGen allele CA2574086735.

ClinVar aggregate classification (germline): Pathogenic (1 of 4 stars; one submission).

Allele frequency attached by ClinVar (database versions not stated): gnomAD exomes below 0.00001.

Submission:

Labcorp Genetics (formerly Invitae), Labcorp
Classification: Pathogenic. Last evaluated: 2023-02-23. Review status: criteria provided, single submitter. Criteria: Invitae Variant Classification Sherloc (09022015). Collection method: clinical testing. Allele origin: germline.
Comment: For these reasons, this variant has been classified as Pathogenic. This variant has not been reported in the literature in individuals affected with FMO3-related conditions. This variant is not present in population databases (gnomAD no frequency). This sequence change creates a premature translational stop signal (p.Phe59Ilefs*19) in the FMO3 gene. It is expected to result in an absent or disrupted protein product. Loss-of-function variants in FMO3 are known to be pathogenic (PMID: 20301282).

Literature cited by the submitters: PubMed 20301282.